The following is an entry in ClinVar:

NM_007294.4(BRCA1):c.2833A>G (p.Ser945Gly)

Gene: BRCA1 (BRCA1 DNA repair associated; minus strand). Cytogenetic location: 17q21.31.
Variant type: single nucleotide variant.
Coding change: c.2833A>G on transcript NM_007294.4 (MANE Select); coding-DNA position 2833, A replaced by G.
Protein change: p.Ser945Gly; replaces serine 945 with glycine.
Molecular consequence: missense variant. On other transcripts: intron variant (137).
Genome position (GRCh38, 1-based): chr17:43,092,698, T>C on the plus strand (A>G on the coding strand, the complement: BRCA1 is on the minus strand). VCF-style: chr17-43092698-T-C. GRCh37 (hg19) VCF-style: chr17-41244715-T-C.
Other names: c.2833A>G (NM_007300.3); c.2620A>G, p.Ser874Gly (NM_001407571.1, NM_001407915.1, NM_001407916.1 and 9 more transcripts); c.2833A>G, p.Ser945Gly (NM_001407581.1, NM_001407582.1, NM_001407583.1 and 30 more transcripts); c.2830A>G, p.Ser944Gly (NM_001407587.1, NM_001407590.1, NM_001407591.1 and 22 more transcripts); c.2755A>G, p.Ser919Gly (NM_001407653.1, NM_001407654.1, NM_001407655.1 and 4 more transcripts); c.2752A>G, p.Ser918Gly (NM_001407659.1, NM_001407660.1, NM_001407661.1 and 1 more transcripts); c.2707A>G, p.Ser903Gly (NM_001407672.1, NM_001407673.1, NM_001407691.1 and 11 more transcripts); c.2710A>G, p.Ser904Gly (NM_001407674.1, NM_001407675.1, NM_001407676.1 and 19 more transcripts); and 42 more; short protein forms S945G, S898G, S817G, S818G, S834G, S875G, S918G, S856G.
Identifiers: ClinVar variation 619789 (VCV000619789.18), dbSNP rs1567794085, ClinGen allele CA10596323.

ClinVar aggregate classification (germline): Conflicting classifications of pathogenicity. Review status: criteria provided, conflicting classifications (1 of 4 stars). 6 submissions from 6 submitters: Uncertain significance (4); Likely benign (1). 1 of the submissions does not count toward it. Last evaluated 2024-08-25.

Conditions:
Hereditary cancer-predisposing syndrome. Also called: Tumor predisposition; Neoplastic Syndromes, Hereditary; Hereditary Cancer Syndrome; Hereditary neoplastic syndrome. Identifiers: Orphanet 140162, MedGen C0027672, MeSH D009386, MONDO:0015356.
Hereditary breast ovarian cancer syndrome. Also called: Hereditary breast and ovarian cancer; Hereditary breast and ovarian cancer syndrome; Hereditary breast and ovarian cancer syndrome (HBOC); Breast and ovarian cancer; BRCA1- and BRCA2-Associated Hereditary Breast and Ovarian Cancer; Hereditary breast and/or ovarian cancer syndrome. Identifiers: Orphanet 145, MedGen C0677776, MeSH D061325, MONDO:0003582. Disease mechanism: loss of function.
Breast-ovarian cancer, familial, susceptibility to, 1 (BROVCA1). Also called: BRCA1 Hereditary Breast and Ovarian Cancer; OVARIAN CANCER, SUSCEPTIBILITY TO. Identifiers: Orphanet 145, MedGen C2676676, MONDO:0011450, OMIM 604370. Disease mechanism: loss of function.

Submissions (6):

Ambry Genetics
Classification: Uncertain significance for Hereditary cancer-predisposing syndrome. Last evaluated: 2024-08-25. Review status: criteria provided, single submitter. Criteria: Ambry Variant Classification Scheme 2023. Collection method: clinical testing. Allele origin: germline.
Comment: The p.S945G variant (also known as c.2833A>G), located in coding exon 9 of the BRCA1 gene, results from an A to G substitution at nucleotide position 2833. The serine at codon 945 is replaced by glycine, an amino acid with similar properties. This amino acid position is well conserved in available vertebrate species. In addition, this alteration is predicted to be tolerated by in silico analysis. Since supporting evidence is limited at this time, the clinical significance of this alteration remains unclear.

Labcorp Genetics (formerly Invitae), Labcorp
Classification: Uncertain significance for Hereditary breast ovarian cancer syndrome. Last evaluated: 2023-12-08. Review status: criteria provided, single submitter. Criteria: Invitae Variant Classification Sherloc (09022015). Collection method: clinical testing. Allele origin: germline.
Comment: This sequence change replaces serine, which is neutral and polar, with glycine, which is neutral and non-polar, at codon 945 of the BRCA1 protein (p.Ser945Gly). This variant is not present in population databases (gnomAD no frequency). This variant has not been reported in the literature in individuals affected with BRCA1-related conditions. ClinVar contains an entry for this variant (Variation ID: 619789). Advanced modeling of protein sequence and biophysical properties (such as structural, functional, and spatial information, amino acid conservation, physicochemical variation, residue mobility, and thermodynamic stability) performed at Invitae indicates that this missense variant is not expected to disrupt BRCA1 protein function with a negative predictive value of 95%. In summary, the available evidence is currently insufficient to determine the role of this variant in disease. Therefore, it has been classified as a Variant of Uncertain Significance.

University of Washington Department of Laboratory Medicine, University of Washington
Classification: Likely benign for Hereditary cancer-predisposing syndrome. Last evaluated: 2023-03-23. Review status: criteria provided, single submitter. Criteria: Dines et al. (Genet Med. 2020). Collection method: curation. Allele origin: germline.
Comment: Missense variant in a coldspot region where missense variants are very unlikely to be pathogenic (PMID:31911673).

BRCA1 coldspot (exon 11 using historical exon numbering). Reclassification based on statistical prior probability

Color Diagnostics, LLC DBA Color Health
Classification: Uncertain significance for Hereditary cancer-predisposing syndrome. Last evaluated: 2019-01-29. Review status: criteria provided, single submitter. Criteria: ACMG Guidelines, 2015. Collection method: clinical testing. Allele origin: germline.

Quest Diagnostics Nichols Institute San Juan Capistrano
Classification: Uncertain significance. Last evaluated: 2018-05-10. Review status: criteria provided, single submitter. Criteria: Quest Diagnostics criteria. Collection method: clinical testing. Allele origin: germline.

KCCC/NGS Laboratory, Kuwait Cancer Control Center
Classification: Uncertain significance for Breast-ovarian cancer, familial, susceptibility to, 1. Last evaluated: 2023-05-05. Review status: no assertion criteria provided. Collection method: clinical testing. Allele origin: germline. Affected: yes. Not counted in ClinVar's aggregate classification.
Comment: a variant of uncertain was detected in the BRCA1 gene (c.2833A>G). This sequence change replaces proline with serine at codon 945 of the BRCA1 protein with glycine (p.Pro1562Arg). This variant is not present in population databases (ExAC no frequency). This variant has not been reported in the literature in individuals with BRCA1-related conditions. In-silico predictions show benign computational verdict based on 11 benign predictions from BayesDel_addAF, DANN, DEOGEN2, EIGEN, FATHMM-MKL, LIST-S2, MVP, MutationAssessor, MutationTaster, PrimateAI and SIFT vs 1 pathogenic prediction from M-CAP and the position is not strongly conserved. Therefore, it has been classified as a Variant of Uncertain Significance.

Literature cited by the submitters: PubMed 20104584 (cited by KCCC/NGS Laboratory, Kuwait Cancer Control Center).